The following is an entry in ClinVar:

ClinVar aggregate classification (germline): Likely benign. Review status: criteria provided, multiple submitters, no conflicts (2 of 4 stars). 7 submissions from 7 submitters: Likely benign (4). 3 of the submissions do not count toward it. Last evaluated 2026-03-01.

Conditions:
ADAMTS3-related disorder. Also called: ADAMTS3-related condition.

Allele frequency attached by ClinVar (database versions not stated): 1000 Genomes Project 30x 0.00078; 1000 Genomes Project 0.00080; gnomAD exomes 0.00244; ExAC 0.00245; ESP Exome Variant Server 0.00254; TOPMed 0.00261; gnomAD 0.00280 and 0.00288.
gnomAD v4.1: 5,370 of 1,613,996 alleles (0.33%); highest among the groups gnomAD compares: Middle Eastern, 0.84%; 17 homozygotes.

Submissions (7):

CeGaT Center for Human Genetics Tuebingen
Classification: Likely benign. Last evaluated: 2026-03-01. Review status: criteria provided, single submitter. Criteria: CeGaT Center For Human Genetics Tuebingen Variant Classification Criteria Version 2. Collection method: clinical testing. Allele origin: germline. Affected: yes. Observed: 12 variant alleles.
Comment: ADAMTS3: BP4, BS2

Blueprint Genetics
Classification: Likely benign. Last evaluated: 2024-11-26. Review status: criteria provided, single submitter. Criteria: ACMG Guidelines, 2015. Collection method: clinical testing. Allele origin: germline.

Labcorp Genetics (formerly Invitae), Labcorp
Classification: Likely benign. Last evaluated: 2019-12-31. Review status: criteria provided, single submitter. Criteria: Invitae Variant Classification Sherloc (09022015). Collection method: clinical testing. Allele origin: germline.

Breakthrough Genomics
Classification: Likely benign. Review status: criteria provided, single submitter. Criteria: ACMG Guidelines, 2015. Collection method: not provided. Allele origin: germline. Inheritance: Autosomal recessive inheritance. Affected: yes.

PreventionGenetics, part of Exact Sciences
Classification: Likely benign for ADAMTS3-related condition. Last evaluated: 2024-01-19. Review status: no assertion criteria provided. Collection method: clinical testing. Allele origin: germline. Not counted in ClinVar's aggregate classification.
Comment: This variant is classified as likely benign based on ACMG/AMP sequence variant interpretation guidelines (Richards et al. 2015 PMID: 25741868, with internal and published modifications).

Clinical Genetics DNA and cytogenetics Diagnostics Lab, Erasmus MC, Erasmus Medical Center
Classification: Likely benign. Review status: no assertion criteria provided. Collection method: clinical testing. Allele origin: germline. Affected: yes. Study: VKGL Data-share Consensus. Not counted in ClinVar's aggregate classification.

Clinical Genetics, Academic Medical Center
Classification: Benign. Review status: no assertion criteria provided. Collection method: clinical testing. Allele origin: germline. Affected: yes. Study: VKGL Data-share Consensus. Not counted in ClinVar's aggregate classification.

NM_014243.3(ADAMTS3):c.2825A>G (p.Asn942Ser)

Gene: ADAMTS3 (ADAM metallopeptidase with thrombospondin type 1 motif 3; minus strand). Cytogenetic location: 4q13.3.
Variant type: single nucleotide variant.
Coding change: c.2825A>G on transcript NM_014243.3 (MANE Select); coding-DNA position 2825, A replaced by G.
Protein change: p.Asn942Ser; replaces asparagine 942 with serine.
Molecular consequence: missense variant.
Genome position (GRCh38, 1-based): chr4:72,290,961, T>C on the plus strand (A>G on the coding strand, the complement: ADAMTS3 is on the minus strand). VCF-style: chr4-72290961-T-C. GRCh37 (hg19) VCF-style: chr4-73156678-T-C.
Other names: short protein forms N942S.
Identifiers: ClinVar variation 717678 (VCV000717678.41), dbSNP rs143166648, ClinGen allele CA2956516.
Genomic context (GRCh38, chr4:72,290,961, plus strand): 5'-TTACAGGGCCGGCGGCTCTCGGGACGGTCACCCATGCAGTATTTGCTGTGCACAGAGCGG[T>C]TGGTGCCATCAAGGAGTGGCTGAAGGCAGCGTACAGTGCGAAGCTGATAGCCAGAACTTC-3'
Protein context (NP_055058.2, residues 932-952): RCLQPLLDGT[Asn942Ser]RSVHSKYCMG